The following is an entry in ClinVar:

ClinVar aggregate classification (germline): Conflicting classifications of pathogenicity. Review status: criteria provided, conflicting classifications (1 of 4 stars). 8 submissions from 8 submitters: Uncertain significance (1); Benign (1); Likely benign (5). 1 of the submissions does not count toward it. Last evaluated 2026-01-01.

Conditions:
POLG-related disorder. Also called: POLG-Related Spectrum Disorders; POLG-related condition; POLG-Related Disorders. Identifiers: MedGen C4763519.
Progressive sclerosing poliodystrophy (MTDPS4A). Also called: ALPERS DIFFUSE DEGENERATION OF CEREBRAL GRAY MATTER WITH HEPATIC CIRRHOSIS; Mitochondrial DNA depletion syndrome 4A (Alpers type); Alpers Syndrome; Alpers-Huttenlocher Syndrome; Mitochondrial DNA Depletion Syndrome 4A; Alpers-Huttenlocher Syndrome (AHS). Identifiers: Orphanet 726, MedGen C0205710, MONDO:0008758, OMIM 203700.

Allele frequency attached by ClinVar (database versions not stated): gnomAD 0.00005; ExAC 0.00007; gnomAD exomes 0.00008; TOPMed 0.00008.
gnomAD v4.1: 91 of 1,614,062 alleles (0.0056%); highest among the groups gnomAD compares: Non-Finnish European, 0.0034%; no homozygotes.

Submissions (8):

Labcorp Genetics (formerly Invitae), Labcorp
Classification: Likely benign for Progressive sclerosing poliodystrophy. Last evaluated: 2026-01-01. Review status: criteria provided, single submitter. Criteria: Invitae Variant Classification Sherloc (09022015). Collection method: clinical testing. Allele origin: germline.

Women's Health and Genetics/Laboratory Corporation of America, LabCorp
Classification: Likely benign. Last evaluated: 2025-07-28. Review status: criteria provided, single submitter. Criteria: LabCorp Variant Classification Summary - May 2015. Collection method: clinical testing. Allele origin: germline.

Mayo Clinic Laboratories, Mayo Clinic
Classification: Likely benign. Last evaluated: 2025-02-25. Review status: criteria provided, single submitter. Criteria: ACMG Guidelines, 2015. Collection method: clinical testing. Allele origin: germline. Observed: 1 variant allele.
Comment: PM2_supporting

Blueprint Genetics
Classification: Likely benign. Last evaluated: 2024-10-21. Review status: criteria provided, single submitter. Criteria: ACMG Guidelines, 2015. Collection method: clinical testing. Allele origin: germline.

Wong Mito Lab, Molecular and Human Genetics, Baylor College of Medicine
Classification: Likely benign for Progressive sclerosing poliodystrophy. Last evaluated: 2018-10-01. Review status: criteria provided, single submitter. Criteria: ACMG Guidelines, 2015. Collection method: clinical testing. Allele origin: germline.
Comment: The NM_002693.2:c.1311C>T (NP_002684.1:p.Val437=) [GRCH38: NC_000015.10:g.89327289G>A] variant in POLG gene is interpretated to be a Likely Benign based on ACMG guidelines (PMID: 25741868). This variant meets the following evidence codes reported in the ACMG-guideline. BS1:The minor allele frequency of this allele is high for Mitochondrial DNA depletion syndrome 4A (Alpers type). BP4:Computational evidence/predictors indicate no impact on the POLG structure, function, or protein-protein interaction. BP7:The variant is silent with non predicted splice impact. Based on the evidence criteria codes applied, the variant is suggested to be Likely Benign.

Illumina Laboratory Services, Illumina
Classification: Uncertain significance for POLG-Related Spectrum Disorders. Last evaluated: 2018-01-13. Review status: criteria provided, single submitter. Criteria: ICSL Variant Classification Criteria 13 December 2019. Collection method: clinical testing. Allele origin: germline.

GeneDx
Classification: Benign. Last evaluated: 2014-12-17. Review status: criteria provided, single submitter. Criteria: GeneDx Variant Classification (06012015). Collection method: clinical testing. Allele origin: germline. Affected: yes.
Comment: This variant is considered likely benign or benign based on one or more of the following criteria: it is a conservative change, it occurs at a poorly conserved position in the protein, it is predicted to be benign by multiple in silico algorithms, and/or has population frequency not consistent with disease.

PreventionGenetics, part of Exact Sciences
Classification: Likely benign for POLG-related condition. Last evaluated: 2021-07-19. Review status: no assertion criteria provided. Collection method: clinical testing. Allele origin: germline. Not counted in ClinVar's aggregate classification.
Comment: This variant is classified as likely benign based on ACMG/AMP sequence variant interpretation guidelines (Richards et al. 2015 PMID: 25741868, with internal and published modifications).

NM_002693.3(POLG):c.1311C>T (p.Val437=)

Gene: POLG (DNA polymerase gamma, catalytic subunit; minus strand). Cytogenetic location: 15q26.1.
Variant type: single nucleotide variant.
Coding change: c.1311C>T on transcript NM_002693.3 (MANE Select); coding-DNA position 1311, C replaced by T.
Protein change: p.Val437=; no amino-acid change (valine 437 retained).
Molecular consequence: synonymous variant.
Genome position (GRCh38, 1-based): chr15:89,327,289, G>A on the plus strand (C>T on the coding strand, the complement: POLG is on the minus strand). VCF-style: chr15-89327289-G-A. GRCh37 (hg19) VCF-style: chr15-89870520-G-A.
Other names: p.V437V:GTC>GTT; p.Val437=; c.1311C>T, p.Val437= (NM_001126131.2).
Identifiers: ClinVar variation 206498 (VCV000206498.20), dbSNP rs62640035, ClinGen allele CA316642.